The following is an entry in ClinVar:

NM_031935.3(HMCN1):c.9363+5A>T

Gene: HMCN1 (hemicentin 1; plus strand). Cytogenetic location: 1q31.1.
Variant type: single nucleotide variant.
Coding change: c.9363+5A>T on transcript NM_031935.3 (MANE Select); 5 bases into the intron after coding-DNA position 9363, A replaced by T.
Molecular consequence: intron variant.
Genome position (GRCh38, 1-based): chr1:186,087,650, A>T. VCF-style: chr1-186087650-A-T. GRCh37 (hg19) VCF-style: chr1-186056782-A-T.
Identifiers: ClinVar variation 3661031 (VCV003661031.2).

ClinVar aggregate classification (germline): Uncertain significance (1 of 4 stars; one submission).

gnomAD v4.1: 4 of 1,612,158 alleles (0.00025%); highest among the groups gnomAD compares: African/African-American, 0.0053%; no homozygotes.

Submission:

Labcorp Genetics (formerly Invitae), Labcorp
Classification: Uncertain significance. Last evaluated: 2024-12-18. Review status: criteria provided, single submitter. Criteria: Invitae Variant Classification Sherloc (09022015). Collection method: clinical testing. Allele origin: germline.
Comment: This sequence change falls in intron 60 of the HMCN1 gene. It does not directly change the encoded amino acid sequence of the HMCN1 protein. It affects a nucleotide within the consensus splice site. This variant is present in population databases (no rsID available, gnomAD 0.02%). This variant has not been reported in the literature in individuals affected with HMCN1-related conditions. Variants that disrupt the consensus splice site are a relatively common cause of aberrant splicing (PMID: 17576681, 9536098). Algorithms developed to predict the effect of sequence changes on RNA splicing suggest that this variant is not likely to affect RNA splicing. In summary, the available evidence is currently insufficient to determine the role of this variant in disease. Therefore, it has been classified as a Variant of Uncertain Significance.

Literature cited by the submitters: PubMed 17576681; PubMed 9536098.